The following is an entry in ClinVar:

NM_000071.3(CBS):c.342G>A (p.Ala114=)

Gene: CBS (cystathionine beta-synthase; minus strand). Cytogenetic location: 21q22.3.
Variant type: single nucleotide variant.
Coding change: c.342G>A on transcript NM_000071.3 (MANE Select); coding-DNA position 342, G replaced by A.
Protein change: p.Ala114=; no amino-acid change (alanine 114 retained).
Molecular consequence: synonymous variant.
Genome position (GRCh38, 1-based): chr21:43,066,352, C>T on the plus strand (G>A on the coding strand, the complement: CBS is on the minus strand). VCF-style: chr21-43066352-C-T. GRCh37 (hg19) VCF-style: chr21-44486462-C-T.
Other names: c.342G>A, p.Ala114= (NM_001178008.3, NM_001178009.3, NM_001320298.2); c.27G>A, p.Ala9= (NM_001321072.1).
Identifiers: ClinVar variation 263580 (VCV000263580.15), dbSNP rs145338910, ClinGen allele CA10587950.
Genomic context (GRCh38, chr21:43,066,352, plus strand): 5'-CCCGTCGCGCTCAGCATCCTCAATCATCCGCAGGCTGATGCGGTCCTTCACGCTCCCGCC[C>T]GCGTTGAAGAACTCACACTTGGCCACTGGGAGGCAGAGATGAATCACAGAGGGGACCCCC-3'
Protein context (NP_000062.1, residues 104-124): ELLAKCEFFN[Ala114=]GGSVKDRISL

ClinVar aggregate classification (germline): Conflicting classifications of pathogenicity. Review status: criteria provided, conflicting classifications (1 of 4 stars). 3 submissions from 3 submitters: Uncertain significance (1); Likely benign (2). Last evaluated 2026-01-14.

Conditions:
Familial thoracic aortic aneurysm and aortic dissection (TAAD). Also called: Thoracic aortic aneurysms and dissections. Identifiers: Orphanet 91387, MedGen C4707243, MONDO:0019625.
HYPERHOMOCYSTEINEMIA, THROMBOTIC, CBS-RELATED. Identifiers: MedGen C3150344, OMIM 236200.

Allele frequency attached by ClinVar (database versions not stated): 1000 Genomes Project 0.00020; gnomAD exomes 0.00003 and 0.00006; ESP Exome Variant Server 0.00015; 1000 Genomes Project 30x 0.00016; gnomAD 0.00005 and 0.00004; TOPMed 0.00006; ExAC 0.00007.
gnomAD v4.1: 26 of 815,450 alleles (0.0032%); highest among the groups gnomAD compares: East Asian, 0.01%; 2 homozygotes.

Submissions (3):

Labcorp Genetics (formerly Invitae), Labcorp
Classification: Likely benign for HYPERHOMOCYSTEINEMIA, THROMBOTIC, CBS-RELATED. Last evaluated: 2026-01-14. Review status: criteria provided, single submitter. Criteria: Invitae Variant Classification Sherloc (09022015). Collection method: clinical testing. Allele origin: germline.

Ambry Genetics
Classification: Uncertain significance for Familial thoracic aortic aneurysm and aortic dissection. Last evaluated: 2025-09-08. Review status: criteria provided, single submitter. Criteria: Ambry Variant Classification Scheme 2023. Collection method: clinical testing. Allele origin: germline.
Comment: The c.342G>A variant (also known as p.A114A), located in coding exon 3 of the CBS gene, results from a G to A substitution at nucleotide position 342. This nucleotide substitution does not change the amino acid at codon 114. This nucleotide position is not well conserved in available vertebrate species. In silico splice site analysis predicts that this alteration will result in the creation or strengthening of a novel splice acceptor site. Based on the available evidence, the clinical significance of this variant remains unclear.

GeneDx
Classification: Likely benign. Last evaluated: 2021-02-24. Review status: criteria provided, single submitter. Criteria: GeneDx Variant Classification Process June 2021. Collection method: clinical testing. Allele origin: germline. Affected: yes.